The following is an entry in ClinVar:

ClinVar aggregate classification (germline): Conflicting classifications of pathogenicity. Review status: criteria provided, conflicting classifications (1 of 4 stars). 10 submissions from 10 submitters: Uncertain significance (1); Benign (5); Likely benign (2). 2 of the submissions do not count toward it. Last evaluated 2026-01-26.

Conditions:
Mannose-binding lectin deficiency. Also called: MBP DEFICIENCY; MBL DEFICIENCY; MBL2 DEFICIENCY; LECTIN COMPLEMENT ACTIVATION PATHWAY, DEFECT IN, 1; Chronic infections, due to MBL deficiency. Identifiers: MedGen C3280586, MONDO:0013714, OMIM 614372.

Allele frequency attached by ClinVar (database versions not stated): gnomAD 0.11335 and 0.11585; TOPMed 0.11580; 1000 Genomes Project 0.12200; 1000 Genomes Project 30x 0.12274; gnomAD exomes 0.14111 and 0.14072; ExAC 0.13887.
gnomAD v4.1: 223,777 of 1,613,658 alleles (14%); highest among the groups gnomAD compares: East Asian, 19%; 16,347 homozygotes.

Submissions (10):

Dasa
Classification: Benign. Last evaluated: 2026-01-26. Review status: criteria provided, single submitter. Criteria: DASA Assertion Criteria. Collection method: clinical testing. Allele origin: germline.
Comment: NM_001378373.1(MBL2):c.161G>A (p.Gly54Asp) is a missense variant that results in the substitution of glycine with aspartic acid. Multiple computational predictions support a deleterious effect on the gene or gene product. Based on the available data, this variant is classified as benign.

Labcorp Genetics (formerly Invitae), Labcorp
Classification: Benign. Last evaluated: 2026-01-15. Review status: criteria provided, single submitter. Criteria: Invitae Variant Classification Sherloc (09022015). Collection method: clinical testing. Allele origin: germline.

Laboratory of Genetics, Children's Clinical University Hospital Latvia
Classification: Likely benign. Last evaluated: 2025-02-16. Review status: criteria provided, single submitter. Criteria: ACMG Guidelines, 2015. Collection method: clinical testing. Allele origin: germline. Affected: yes.

Johns Hopkins Genomics, Johns Hopkins University
Classification: Benign for Mannose-binding lectin deficiency. Last evaluated: 2024-05-19. Review status: criteria provided, single submitter. Criteria: ACMG Guidelines, 2015. Collection method: clinical testing. Allele origin: germline.
Comment: BA1

CeGaT Center for Human Genetics Tuebingen
Classification: Uncertain significance. Last evaluated: 2022-12-01. Review status: criteria provided, single submitter. Criteria: CeGaT Center For Human Genetics Tuebingen Variant Classification Criteria Version 2. Collection method: clinical testing. Allele origin: germline. Affected: yes. Observed: 2 variant alleles.
Comment: MBL2: PS3:Moderate, PS4:Supporting

Fulgent Genetics
Classification: Likely benign for Mannose-binding lectin deficiency. Last evaluated: 2022-04-05. Review status: criteria provided, single submitter. Criteria: ACMG Guidelines, 2015. Collection method: clinical testing. Allele origin: unknown.

H3Africa Consortium
Classification: Benign. Last evaluated: 2020-10-28. Review status: criteria provided, single submitter. Criteria: Choudhury A et al. (Nature 2020). Collection method: research. Allele origin: germline. Study: H3Africa.
Comment: While the frequency of the alternate allele in gnoMAD v2.0.2 is 0.052, its frequency in African populations is >5%. This suggests that previous classifications of this variant as pathogenic are in error.

Breakthrough Genomics
Classification: Benign. Review status: criteria provided, single submitter. Criteria: ACMG Guidelines, 2015. Collection method: not provided. Allele origin: germline. Inheritance: Autosomal dominant inheritance. Affected: yes.

OMIM
Classification: Pathogenic for MANNOSE-BINDING LECTIN DEFICIENCY. Last evaluated: 2004-10-01. Review status: no assertion criteria provided. Collection method: literature only. Allele origin: germline. Not counted in ClinVar's aggregate classification.

Genomic Medicine Center of Excellence, King Faisal Specialist Hospital and Research Centre
Classification: Pathogenic. Last evaluated: 2025-07-30. Review status: flagged submission. Criteria: ACMG Guidelines, 2015. Collection method: clinical testing. Allele origin: germline. Not counted in ClinVar's aggregate classification.
ClinVar note: Reason: Outlier claim with insufficient supporting evidence

Literature cited by the submitters: PubMed 11561111 (cited by Johns Hopkins Genomics, Johns Hopkins University); PubMed 24850777 (cited by Johns Hopkins Genomics, Johns Hopkins University); PubMed 1675710 (cited by OMIM); PubMed 1303250 (cited by OMIM); PubMed 1304173 (cited by OMIM); PubMed 1458688 (cited by OMIM); PubMed 7707811 (cited by OMIM); PubMed 10888598 (cited by OMIM); PubMed 15472209 (cited by OMIM).

NM_001378373.1(MBL2):c.161G>A (p.Gly54Asp)

Gene: MBL2 (mannose binding lectin 2; minus strand). Cytogenetic location: 10q21.1.
Variant type: single nucleotide variant.
Coding change: c.161G>A on transcript NM_001378373.1 (MANE Select); coding-DNA position 161, G replaced by A.
Protein change: p.Gly54Asp; replaces glycine 54 with aspartic acid.
Molecular consequence: missense variant.
Genome position (GRCh38, 1-based): chr10:52,771,475, C>T on the plus strand (G>A on the coding strand, the complement: MBL2 is on the minus strand). VCF-style: chr10-52771475-C-T. GRCh37 (hg19) VCF-style: chr10-54531235-C-T.
Other names: G54D; c.161G>A, p.Gly54Asp (NM_000242.3, NM_001378374.1).
Identifiers: ClinVar variation 14350 (VCV000014350.44), dbSNP rs1800450, ClinGen allele CA123877.